The following is an entry in ClinVar:

NC_000002.12:g.227256027del

Genes: COL4A3 (collagen type IV alpha 3 chain; plus strand), MFF-DT (MFF divergent transcript; minus strand). Cytogenetic location: 2q36.3.
Variant type: Deletion.
Genome position: GRCh38 VCF-style: chr2-227256024-AG-A. GRCh37 (hg19) VCF-style: chr2-228120740-AG-A.
Identifiers: ClinVar variation 1068520 (VCV001068520.7), dbSNP rs2125940514, ClinGen allele CA2499215744.

ClinVar aggregate classification (germline): Pathogenic (1 of 4 stars; one submission).

Submission:

Labcorp Genetics (formerly Invitae), Labcorp
Classification: Pathogenic. Last evaluated: 2020-02-11. Review status: criteria provided, single submitter. Criteria: Invitae Variant Classification Sherloc (09022015). Collection method: clinical testing. Allele origin: germline.
Comment: This sequence change creates a premature translational stop signal (p.Gly297Glufs*26) in the COL4A3 gene. It is expected to result in an absent or disrupted protein product. This variant is not present in population databases (ExAC no frequency). This variant has not been reported in the literature in individuals with COL4A3-related conditions. Loss-of-function variants in COL4A3 are known to be pathogenic (PMID: 8956999, 24854265, 26809805, 27281700). For these reasons, this variant has been classified as Pathogenic.

Literature cited by the submitters: PubMed 8956999; PubMed 24854265; PubMed 26809805; PubMed 27281700.